The following is an entry in ClinVar:

NM_016239.4(MYO15A):c.8795G>A (p.Arg2932Lys)

Gene: MYO15A (myosin XVA; plus strand). Cytogenetic location: 17p11.2.
Variant type: single nucleotide variant.
Coding change: c.8795G>A on transcript NM_016239.4 (MANE Select); coding-DNA position 8795, G replaced by A.
Protein change: p.Arg2932Lys; replaces arginine 2932 with lysine.
Molecular consequence: missense variant.
Genome position (GRCh38, 1-based): chr17:18,157,728, G>A. VCF-style: chr17-18157728-G-A. GRCh37 (hg19) VCF-style: chr17-18061042-G-A.
Other names: c.8795G>A (NM_016239.3); short protein forms R2932K.
Identifiers: ClinVar variation 1529493 (VCV001529493.12), dbSNP rs201940959, ClinGen allele CA8425276.

ClinVar aggregate classification (germline): Conflicting classifications of pathogenicity. Review status: criteria provided, conflicting classifications (1 of 4 stars). 6 submissions from 6 submitters: Uncertain significance (3); Likely benign (2). 1 of the submissions does not count toward it. Last evaluated 2026-08-31.

Conditions:
Inborn genetic diseases. Identifiers: MedGen C0950123, MeSH D030342.
MYO15A-related disorder. Also called: MYO15A-related condition.

Allele frequency attached by ClinVar (database versions not stated): gnomAD 0.00012 and 0.00014; ExAC 0.00013; TOPMed 0.00015; gnomAD exomes 0.00016.
gnomAD v4.1: 200 of 1,606,168 alleles (0.012%); highest among the groups gnomAD compares: Middle Eastern, 0.033%; no homozygotes.

Submissions (6):

GeneDx
Classification: Uncertain significance. Last evaluated: 2026-08-31. Review status: criteria provided, single submitter. Criteria: GeneDx Variant Classification Process June 2021. Collection method: clinical testing. Allele origin: germline.
Comment: In silico analysis supports that this missense variant has a deleterious effect on protein structure/function; Has not been previously published as pathogenic or benign to our knowledge

Labcorp Genetics (formerly Invitae), Labcorp
Classification: Likely benign. Last evaluated: 2025-04-26. Review status: criteria provided, single submitter. Criteria: Invitae Variant Classification Sherloc (09022015). Collection method: clinical testing. Allele origin: germline.

Blueprint Genetics
Classification: Uncertain significance. Last evaluated: 2024-11-26. Review status: criteria provided, single submitter. Criteria: ACMG Guidelines, 2015. Collection method: clinical testing. Allele origin: germline.

Ambry Genetics
Classification: Uncertain significance for Inborn genetic diseases. Last evaluated: 2023-12-17. Review status: criteria provided, single submitter. Criteria: Ambry Variant Classification Scheme 2023. Collection method: clinical testing. Allele origin: germline.

Breakthrough Genomics
Classification: Likely benign. Review status: criteria provided, single submitter. Criteria: ACMG Guidelines, 2015. Collection method: not provided. Allele origin: germline. Inheritance: Autosomal recessive inheritance. Affected: yes.

PreventionGenetics, part of Exact Sciences
Classification: Uncertain significance for MYO15A-related condition. Last evaluated: 2024-09-03. Review status: no assertion criteria provided. Collection method: clinical testing. Allele origin: germline. Not counted in ClinVar's aggregate classification.
Comment: The MYO15A c.8795G>A variant is predicted to result in the amino acid substitution p.Arg2932Lys. To our knowledge, this variant has not been reported in the literature. This variant is reported in 0.031% of alleles in individuals of Latino descent in gnomAD. At this time, the clinical significance of this variant is uncertain due to the absence of conclusive functional and genetic evidence.